The following is an entry in ClinVar:

NM_175566.2(CNTN5):c.55+98126_55+139782del

Gene: CNTN5 (contactin 5; plus strand). Cytogenetic location: 11q22.1.
Variant type: Deletion.
Coding change: c.55+98126_55+139782del on transcript NM_175566.2; bases 98126 to 139782 of the intron after coding-DNA position 55, this stretch deleted.
Identifiers: ClinVar variation 157222 (VCV000157222.2).

ClinVar aggregate classification (germline): not provided (0 of 4 stars; one submission).

Conditions:
Gestational diabetes mellitus uncontrolled. Identifiers: MedGen C3532257.

Submission:

Institute of Molecular and Cell Biology, University of Tartu
No classification provided. Condition: Gestational diabetes mellitus uncontrolled. Review status: no classification provided. Collection method: case-control. Allele origin: unknown. Affected: yes. Study: Kasak2014.
Comment: The study aimed to determine the contribution of copy number variants in the genetic etiology of normal and complicated pregnancies. The samples represented (i) maternal blood DNA drawn from healthy pregnant women during 1st or 2nd trimester and (ii) maternal and paternal blood DNA drawn at term pregnancy cases representing normal and complicated gestations (severe preeclampsia, PE; gestational diabetes, GD; small-for-gestational age newborn, SGA; large-for-gestational age newborn, LGA). We performed CNV calling based on genome-wide genotyping dataset (Illumina HumanOmniExpress-24-v1 BeadChip) by applying three algorithms, QuantiSNP, GADA (Genome Alteration Detection Algorithm) and CNstream in parallel. The acquired CNV calls were merged with HD-CNV (Hotspot Detector for Copy Number Variants) program and only the CNVs predicted by at least two programs, were considered in subsequent analysis.

Literature cited by the submitters: PubMed 25666259.